The following is an entry in ClinVar:

NM_003172.4(SURF1):c.59C>G (p.Pro20Arg)

Genes: SURF1 (SURF1 cytochrome c oxidase assembly factor; minus strand), LOC130002899 (ATAC-STARR-seq lymphoblastoid silent region 20452; plus strand). Cytogenetic location: 9q34.2.
Variant type: single nucleotide variant.
Coding change: c.59C>G on transcript NM_003172.4 (MANE Select); coding-DNA position 59, C replaced by G.
Protein change: p.Pro20Arg; replaces proline 20 with arginine.
Molecular consequence: missense variant. On other transcripts: intron variant (1).
Genome position (GRCh38, 1-based): chr9:133,356,316, G>C on the plus strand (C>G on the coding strand, the complement: SURF1 is on the minus strand). VCF-style: chr9-133356316-G-C. GRCh37 (hg19) VCF-style: chr9-136223171-G-C.
Other names: c.-222+84C>G (NM_001280787.1); short protein forms P20R.
Identifiers: ClinVar variation 2173775 (VCV002173775.3), dbSNP rs782764509, ClinGen allele CA375695104.

ClinVar aggregate classification (germline): Uncertain significance (1 of 4 stars; one submission).

Conditions:
Leigh syndrome (NULS). Also called: Leigh's syndrome; Subacute necrotizing encephalopathy; Necrotizing encephalopathy infantile subacute of Leigh; Leigh Disease; Leigh's necrotizing encephalopathy; Leigh's disease. Identifiers: Orphanet 506, MedGen C2931891, MONDO:0009723, OMIM 256000.

Submission:

Labcorp Genetics (formerly Invitae), Labcorp
Classification: Uncertain significance for Leigh syndrome. Last evaluated: 2024-12-16. Review status: criteria provided, single submitter. Criteria: Invitae Variant Classification Sherloc (09022015). Collection method: clinical testing. Allele origin: germline.
Comment: This sequence change replaces proline, which is neutral and non-polar, with arginine, which is basic and polar, at codon 20 of the SURF1 protein (p.Pro20Arg). This variant is not present in population databases (gnomAD no frequency). This variant has not been reported in the literature in individuals affected with SURF1-related conditions. ClinVar contains an entry for this variant (Variation ID: 2173775). Invitae Evidence Modeling of protein sequence and biophysical properties (such as structural, functional, and spatial information, amino acid conservation, physicochemical variation, residue mobility, and thermodynamic stability) has been performed for this missense variant. However, the output from this modeling did not meet the statistical confidence thresholds required to predict the impact of this variant on SURF1 protein function. In summary, the available evidence is currently insufficient to determine the role of this variant in disease. Therefore, it has been classified as a Variant of Uncertain Significance.